The following is an entry in ClinVar:

NM_130384.3(ATRIP):c.182A>G (p.Glu61Gly)

Genes: ATRIP (ATR interacting protein; plus strand), ATRIP-TREX1 (ATRIP-TREX1 readthrough; plus strand), LOC129936703 (ATAC-STARR-seq lymphoblastoid silent region 14331; plus strand). Cytogenetic location: 3p21.31.
Variant type: single nucleotide variant.
Coding change: c.182A>G on transcript NM_130384.3 (MANE Select); coding-DNA position 182, A replaced by G.
Protein change: p.Glu61Gly; replaces glutamic acid 61 with glycine.
Molecular consequence: missense variant. On other transcripts: non-coding transcript variant (1), intron variant (1).
Genome position (GRCh38, 1-based): chr3:48,447,027, A>G. VCF-style: chr3-48447027-A-G. GRCh37 (hg19) VCF-style: chr3-48488431-A-G.
Other names: c.182A>G, p.Glu61Gly (NM_032166.4); c.-218+228A>G (NM_001271022.2); short protein forms E61G.
Identifiers: ClinVar variation 3976852 (VCV003976852.1).

ClinVar aggregate classification (germline): Uncertain significance (1 of 4 stars; one submission).

gnomAD v4.1: 2 of 1,571,788 alleles (0.00013%); highest among the groups gnomAD compares: Admixed American, 0.0018%; no homozygotes.

Submission:

Ambry Genetics
Classification: Uncertain significance. Last evaluated: 2025-05-25. Review status: criteria provided, single submitter. Criteria: Ambry Variant Classification Scheme 2023. Collection method: clinical testing. Allele origin: germline.
Comment: The p.E61G variant (also known as c.182A>G), located in coding exon 1 of the ATRIP gene, results from an A to G substitution at nucleotide position 182. The glutamic acid at codon 61 is replaced by glycine, an amino acid with similar properties. This amino acid position is conserved. In addition, the in silico prediction for this alteration is inconclusive. Based on the available evidence, the clinical significance of this variant remains unclear.